The following is an entry in ClinVar:

ClinVar aggregate classification (germline): Uncertain significance (1 of 4 stars; one submission).

gnomAD v4.1: 8 of 1,542,704 alleles (0.00052%); highest among the groups gnomAD compares: East Asian, 0.0025%; no homozygotes.

Submission:

Labcorp Genetics (formerly Invitae), Labcorp
Classification: Uncertain significance. Last evaluated: 2025-09-27. Review status: criteria provided, single submitter. Criteria: Invitae Variant Classification Sherloc (09022015). Collection method: clinical testing. Allele origin: germline.
Comment: This sequence change replaces proline, which is neutral and non-polar, with threonine, which is neutral and polar, at codon 35 of the DMRT2 protein (p.Pro35Thr). This variant is not present in population databases (gnomAD no frequency). This variant has not been reported in the literature in individuals affected with DMRT2-related conditions. ClinVar contains an entry for this variant (Variation ID: 3694072). An algorithm developed to predict the effect of missense changes on protein structure and function (PolyPhen-2) suggests that this variant is likely to be disruptive. In summary, the available evidence is currently insufficient to determine the role of this variant in disease. Therefore, it has been classified as a Variant of Uncertain Significance.

NM_181872.6(DMRT2):c.103C>A (p.Pro35Thr)

Gene: DMRT2 (doublesex and mab-3 related transcription factor 2; plus strand). Cytogenetic location: 9p24.3.
Variant type: single nucleotide variant.
Coding change: c.103C>A on transcript NM_181872.6 (MANE Select); coding-DNA position 103, C replaced by A.
Protein change: p.Pro35Thr; replaces proline 35 with threonine.
Molecular consequence: missense variant. On other transcripts: 5 prime UTR variant (1), non-coding transcript variant (1).
Genome position (GRCh38, 1-based): chr9:1,051,716, C>A. VCF-style: chr9-1051716-C-A. GRCh37 (hg19) VCF-style: chr9-1051716-C-A.
Other names: c.103C>A, p.Pro35Thr (NM_001130865.3, NM_001370531.1, NM_001370533.1 and 4 more transcripts); c.-548C>A (NM_001370532.1); short protein forms P35T.
Identifiers: ClinVar variation 3694072 (VCV003694072.2).
Genomic context (GRCh38, chr9:1,051,716, plus strand): 5'-ATCGATGTCGAGAGCCTGGAGCTGGAAGAGGACGTCTGCGGGGCGCCGCGGTCCACGCCC[C>A]CCGGGCCCAGCCCGCCGCCGGCGGACGGGGACTGCGAGGACGACGAAGATGACGACGGGG-3'
Protein context (NP_870987.2, residues 25-45): DVCGAPRSTP[Pro35Thr]GPSPPPADGD